The following is an entry in ClinVar:

NM_144643.4(SCLT1):c.1346T>G (p.Met449Arg)

Gene: SCLT1 (sodium channel and clathrin linker 1; minus strand). Cytogenetic location: 4q28.2.
Variant type: single nucleotide variant.
Coding change: c.1346T>G on transcript NM_144643.4 (MANE Select); coding-DNA position 1346, T replaced by G.
Protein change: p.Met449Arg; replaces methionine 449 with arginine.
Molecular consequence: missense variant.
Genome position (GRCh38, 1-based): chr4:128,946,100, A>C on the plus strand (T>G on the coding strand, the complement: SCLT1 is on the minus strand). VCF-style: chr4-128946100-A-C. GRCh37 (hg19) VCF-style: chr4-129867255-A-C.
Other names: c.1346T>G, p.Met449Arg (NM_001410807.1); short protein forms M449R.
Identifiers: ClinVar variation 2005470 (VCV002005470.4), dbSNP rs1161218017, ClinGen allele CA358186590.

ClinVar aggregate classification (germline): Uncertain significance (1 of 4 stars; one submission).

Submission:

Labcorp Genetics (formerly Invitae), Labcorp
Classification: Uncertain significance. Last evaluated: 2022-06-13. Review status: criteria provided, single submitter. Criteria: Invitae Variant Classification Sherloc (09022015). Collection method: clinical testing. Allele origin: germline.
Comment: This variant has not been reported in the literature in individuals affected with SCLT1-related conditions. This variant is present in population databases (no rsID available, gnomAD 0.01%). This sequence change replaces methionine, which is neutral and non-polar, with arginine, which is basic and polar, at codon 449 of the SCLT1 protein (p.Met449Arg). Algorithms developed to predict the effect of missense changes on protein structure and function are either unavailable or do not agree on the potential impact of this missense change (SIFT: "Deleterious"; PolyPhen-2: "Possibly Damaging"; Align-GVGD: "Class C0"). In summary, the available evidence is currently insufficient to determine the role of this variant in disease. Therefore, it has been classified as a Variant of Uncertain Significance.